The following is an entry in ClinVar:

ClinVar aggregate classification (germline): Uncertain significance (1 of 4 stars; one submission).

Conditions:
Charcot-Marie-Tooth disease dominant intermediate E. Also called: CHARCOT-MARIE-TOOTH NEUROPATHY WITH FOCAL SEGMENTAL GLOMERULONEPHRITIS. Identifiers: Orphanet 93114, MedGen C4302667, MONDO:0013758, OMIM 614455.
Focal segmental glomerulosclerosis 5 (FSGS5). Identifiers: Orphanet 656, MedGen C2750475, MONDO:0013191, OMIM 613237.

Allele frequency attached by ClinVar (database versions not stated): ExAC below 0.00001; gnomAD exomes 0.00092 and 0.00198; gnomAD 0.00134 and 0.00138.
gnomAD v4.1: 1,242 of 1,291,494 alleles (0.096%); highest among the groups gnomAD compares: Non-Finnish European, 0.011%; 21 homozygotes.

Submission:

Labcorp Genetics (formerly Invitae), Labcorp
Classification: Uncertain significance for Charcot-Marie-Tooth disease dominant intermediate E; Focal segmental glomerulosclerosis 5. Last evaluated: 2025-06-11. Review status: criteria provided, single submitter. Criteria: Invitae Variant Classification Sherloc (09022015). Collection method: clinical testing. Allele origin: germline.
Comment: This sequence change replaces proline, which is neutral and non-polar, with serine, which is neutral and polar, at codon 426 of the INF2 protein (p.Pro426Ser). The frequency data for this variant in the population databases is considered unreliable, as metrics indicate poor data quality at this position in the gnomAD database. This missense change has been observed in individuals with INF2-related conditions (internal data). ClinVar contains an entry for this variant (Variation ID: 648825). Invitae Evidence Modeling of protein sequence and biophysical properties (such as structural, functional, and spatial information, amino acid conservation, physicochemical variation, residue mobility, and thermodynamic stability) indicates that this missense variant is not expected to disrupt INF2 protein function with a negative predictive value of 95%. In summary, the available evidence is currently insufficient to determine the role of this variant in disease. Therefore, it has been classified as a Variant of Uncertain Significance.

NM_022489.4(INF2):c.1276C>T (p.Pro426Ser)

Gene: INF2 (inverted formin 2; plus strand). Cytogenetic location: 14q32.33.
Variant type: single nucleotide variant.
Coding change: c.1276C>T on transcript NM_022489.4 (MANE Select); coding-DNA position 1276, C replaced by T.
Protein change: p.Pro426Ser; replaces proline 426 with serine.
Molecular consequence: missense variant.
Genome position (GRCh38, 1-based): chr14:104,707,543, C>T. VCF-style: chr14-104707543-C-T. GRCh37 (hg19) VCF-style: chr14-105173880-C-T.
Other names: c.1276C>T, p.Pro426Ser (NM_001031714.4); short protein forms P426S.
Identifiers: ClinVar variation 648825 (VCV000648825.10), dbSNP rs766635668, ClinGen allele CA7372545.